The following is an entry in ClinVar:

ClinVar aggregate classification (germline): Uncertain significance (1 of 4 stars; one submission).

Allele frequency attached by ClinVar (database versions not stated): gnomAD 0.00001.
gnomAD v4.1: 2 of 1,493,882 alleles (0.00013%); highest among the groups gnomAD compares: African/African-American, 0.0014%; no homozygotes.

Submission:

Labcorp Genetics (formerly Invitae), Labcorp
Classification: Uncertain significance. Last evaluated: 2022-02-22. Review status: criteria provided, single submitter. Criteria: Invitae Variant Classification Sherloc (09022015). Collection method: clinical testing. Allele origin: germline.
Comment: In summary, the available evidence is currently insufficient to determine the role of this variant in disease. Therefore, it has been classified as a Variant of Uncertain Significance. Algorithms developed to predict the effect of missense changes on protein structure and function are either unavailable or do not agree on the potential impact of this missense change (SIFT: "Deleterious"; PolyPhen-2: "Benign"; Align-GVGD: "Class C0"). This variant has not been reported in the literature in individuals affected with OTOGL-related conditions. This variant is not present in population databases (gnomAD no frequency). This sequence change replaces valine, which is neutral and non-polar, with isoleucine, which is neutral and non-polar, at codon 476 of the OTOGL protein (p.Val476Ile).

NM_001378609.3(OTOGL):c.1453G>A (p.Val485Ile)

Gene: OTOGL (otogelin like; plus strand). Cytogenetic location: 12q21.31.
Variant type: single nucleotide variant.
Coding change: c.1453G>A on transcript NM_001378609.3 (MANE Select); coding-DNA position 1453, G replaced by A.
Protein change: p.Val485Ile; replaces valine 485 with isoleucine.
Molecular consequence: missense variant.
Genome position (GRCh38, 1-based): chr12:80,255,051, G>A. VCF-style: chr12-80255051-G-A. GRCh37 (hg19) VCF-style: chr12-80648831-G-A.
Other names: c.1453G>A, p.Val485Ile (NM_001368062.3, NM_001378610.3, NM_173591.7); short protein forms V485I.
Identifiers: ClinVar variation 2075299 (VCV002075299.4), dbSNP rs985832418, ClinGen allele CA240197459.